The following is an entry in ClinVar:

ClinVar aggregate classification (germline): Uncertain significance (1 of 4 stars; one submission).

Submission:

Labcorp Genetics (formerly Invitae), Labcorp
Classification: Uncertain significance. Last evaluated: 2025-08-17. Review status: criteria provided, single submitter. Criteria: Invitae Variant Classification Sherloc (09022015). Collection method: clinical testing. Allele origin: germline.
Comment: This sequence change creates a premature translational stop signal (p.Val153Serfs*4) in the RASA2 gene. It is expected to result in an absent or disrupted protein product. However, the current clinical and genetic evidence is not sufficient to establish whether loss-of-function variants in RASA2 cause disease. This variant is not present in population databases (gnomAD no frequency). This variant has not been reported in the literature in individuals affected with RASA2-related conditions. In summary, the available evidence is currently insufficient to determine the role of this variant in disease. Therefore, it has been classified as a Variant of Uncertain Significance.

NM_006506.5(RASA2):c.456dup (p.Val153fs)

Gene: RASA2 (RAS p21 protein activator 2; plus strand). Cytogenetic location: 3q23.
Variant type: Duplication.
Coding change: c.456dup on transcript NM_006506.5 (MANE Select); coding-DNA position 456, one base duplicated (A; older notation c.456dupA).
Protein change: p.Val153fs; shifts the reading frame from valine 153.
Molecular consequence: frameshift variant.
Genome position (GRCh38, 1-based): chr3:141,540,538, A duplicated; the last of 3 consecutive A bases (chr3:141,540,536-141,540,538); duplicating any one gives the same sequence. VCF-style (leftmost placement, unchanged base first): chr3-141540535-T-TA. GRCh37 (hg19) VCF-style: chr3-141259377-T-TA.
Other names: c.456dup, p.Val153fs (NM_001303245.3, NM_001303246.3); short protein forms V153fs.
Identifiers: ClinVar variation 4711205 (VCV004711205.1).